The following is an entry in ClinVar:

NM_006859.4(LIAS):c.1066+243A>C

Gene: LIAS (lipoic acid synthetase; plus strand). Cytogenetic location: 4p14.
Variant type: single nucleotide variant.
Coding change: c.1066+243A>C on transcript NM_006859.4 (MANE Select); 243 bases into the intron after coding-DNA position 1066, A replaced by C.
Molecular consequence: intron variant.
Genome position (GRCh38, 1-based): chr4:39,473,454, A>C. VCF-style: chr4-39473454-A-C. GRCh37 (hg19) VCF-style: chr4-39475074-A-C.
Other names: c.954+2148A>C (NM_194451.3); c.937+243A>C (NM_001278590.2); c.757+243A>C (NM_001363700.2).
Identifiers: ClinVar variation 683063 (VCV000683063.1), dbSNP rs2259073, ClinGen allele CA95733238.

ClinVar aggregate classification (germline): Benign (1 of 4 stars; one submission).

Allele frequency attached by ClinVar (database versions not stated): gnomAD 0.13326 and 0.13570; 1000 Genomes Project 30x 0.14022; TOPMed 0.14092; 1000 Genomes Project 0.14317; gnomAD exomes 0.16257.
gnomAD v4.1: 50,001 of 331,442 alleles (15%); highest among the groups gnomAD compares: Admixed American, 20%; 4,152 homozygotes.

Submission:

GeneDx
Classification: Benign. Last evaluated: 2018-06-14. Review status: criteria provided, single submitter. Criteria: GeneDx Variant Classification (06012015). Collection method: clinical testing. Allele origin: germline. Affected: yes.
Comment: This variant is considered likely benign or benign based on one or more of the following criteria: it is a conservative change, it occurs at a poorly conserved position in the protein, it is predicted to be benign by multiple in silico algorithms, and/or has population frequency not consistent with disease.